The following is an entry in ClinVar:

NM_152703.5(SAMD9L):c.4456A>G (p.Ser1486Gly)

Gene: SAMD9L (sterile alpha motif domain containing 9 like; minus strand). Cytogenetic location: 7q21.2.
Variant type: single nucleotide variant.
Coding change: c.4456A>G on transcript NM_152703.5 (MANE Select); coding-DNA position 4456, A replaced by G.
Protein change: p.Ser1486Gly; replaces serine 1486 with glycine.
Molecular consequence: missense variant.
Genome position (GRCh38, 1-based): chr7:93,131,516, T>C on the plus strand (A>G on the coding strand, the complement: SAMD9L is on the minus strand). VCF-style: chr7-93131516-T-C. GRCh37 (hg19) VCF-style: chr7-92760829-T-C.
Other names: c.4456A>G, p.Ser1486Gly (NM_001303496.3, NM_001303497.3, NM_001303498.3 and 5 more transcripts); short protein forms S1486G.
Identifiers: ClinVar variation 4630148 (VCV004630148.1).

ClinVar aggregate classification (germline): Uncertain significance (1 of 4 stars; one submission).

Conditions:
Inborn genetic diseases. Identifiers: MedGen C0950123, MeSH D030342.

gnomAD v4.1: 1 of 1,613,990 alleles (0.000062%); highest among the groups gnomAD compares: Admixed American, 0.0017%; no homozygotes.

Submission:

Ambry Genetics
Classification: Uncertain significance for Inborn genetic diseases. Last evaluated: 2025-11-30. Review status: criteria provided, single submitter. Criteria: Ambry Variant Classification Scheme 2023. Collection method: clinical testing. Allele origin: germline.
Comment: The p.S1486G variant (also known as c.4456A>G), located in coding exon 1 of the SAMD9L gene, results from an A to G substitution at nucleotide position 4456. The serine at codon 1486 is replaced by glycine, an amino acid with similar properties. This amino acid position is conserved. In addition, this alteration is predicted to be tolerated by in silico analysis. Based on the available evidence, the clinical significance of this variant remains unclear.